The following is an entry in ClinVar:

NM_001048174.2(MUTYH):c.214C>G (p.Leu72Val)

Gene: MUTYH (mutY DNA glycosylase; minus strand). Cytogenetic location: 1p34.1.
Variant type: single nucleotide variant.
Coding change: c.214C>G on transcript NM_001048174.2 (MANE Select); coding-DNA position 214, C replaced by G.
Protein change: p.Leu72Val; replaces leucine 72 with valine.
Molecular consequence: missense variant. On other transcripts: 5 prime UTR variant (6), non-coding transcript variant (7).
Genome position (GRCh38, 1-based): chr1:45,333,463, G>C on the plus strand (C>G on the coding strand, the complement: MUTYH is on the minus strand). VCF-style: chr1-45333463-G-C. GRCh37 (hg19) VCF-style: chr1-45799135-G-C.
Other names: c.214C>G, p.Leu72Val (NM_001407080.1, NM_001407081.1, NM_001407088.1 and 6 more transcripts); c.-58C>G (NM_001407082.1, NM_001350650.2, NM_001350651.2); c.256C>G, p.Leu86Val (NM_001407083.1, NM_001407085.1, NM_001407073.1); c.217C>G, p.Leu73Val (NM_001407086.1, NM_001048172.2, NM_001407071.1 and 2 more transcripts); c.235C>G, p.Leu79Val (NM_001407087.1); c.-63C>G (NM_001407091.1, NM_001293192.2, NM_001293196.2); c.289C>G, p.Leu97Val (NM_012222.3, NM_001407069.1); c.298C>G, p.Leu100Val (NM_001128425.2); and 3 more; short protein forms L100V, L83V, L86V, L87V, L73V, L97V, L44V, L79V.
Identifiers: ClinVar variation 3663467 (VCV003663467.2).

ClinVar aggregate classification (germline): Uncertain significance (1 of 4 stars; one submission).

Conditions:
Familial adenomatous polyposis 2. Also called: FAP type 2; COLORECTAL ADENOMATOUS POLYPOSIS, AUTOSOMAL RECESSIVE; ADENOMAS, MULTIPLE COLORECTAL, AUTOSOMAL RECESSIVE; MYH-associated polyposis; Adenomas, multiple colorectal; MUTYH-associated polyposis. Identifiers: Orphanet 220460, Orphanet 247798, MedGen C3272841, MONDO:0012041, OMIM 608456.

Submission:

Labcorp Genetics (formerly Invitae), Labcorp
Classification: Uncertain significance for Familial adenomatous polyposis 2. Last evaluated: 2024-08-27. Review status: criteria provided, single submitter. Criteria: Invitae Variant Classification Sherloc (09022015). Collection method: clinical testing. Allele origin: germline.
Comment: This sequence change replaces leucine, which is neutral and non-polar, with valine, which is neutral and non-polar, at codon 100 of the MUTYH protein (p.Leu100Val). This variant is not present in population databases (gnomAD no frequency). This variant has not been reported in the literature in individuals affected with MUTYH-related conditions. An algorithm developed to predict the effect of missense changes on protein structure and function (PolyPhen-2) suggests that this variant is likely to be disruptive. In summary, the available evidence is currently insufficient to determine the role of this variant in disease. Therefore, it has been classified as a Variant of Uncertain Significance.